The following is an entry in ClinVar:

NM_003307.4(TRPM2):c.2725C>T (p.Arg909Trp)

Genes: TRPM2 (transient receptor potential cation channel subfamily M member 2; plus strand), LOC126653395 (CDK7 strongly-dependent group 2 enhancer GRCh37_chr21:45825427-45826626; plus strand). Cytogenetic location: 21q22.3.
Variant type: single nucleotide variant.
Coding change: c.2725C>T on transcript NM_003307.4 (MANE Select); coding-DNA position 2725, C replaced by T.
Protein change: p.Arg909Trp; replaces arginine 909 with tryptophan.
Molecular consequence: missense variant. On other transcripts: non-coding transcript variant (1).
Genome position (GRCh38, 1-based): chr21:44,405,972, C>T. VCF-style: chr21-44405972-C-T. GRCh37 (hg19) VCF-style: chr21-45825855-C-T.
Other names: c.2725C>T, p.Arg909Trp (NM_001320350.2, NM_001320351.2); short protein forms R909W.
Identifiers: ClinVar variation 2652751 (VCV002652751.24), dbSNP rs77759997, ClinGen allele CA10055077.

ClinVar aggregate classification (germline): Benign (1 of 4 stars; one submission).

Allele frequency attached by ClinVar (database versions not stated): ESP Exome Variant Server 0.00008; gnomAD exomes 0.00017; TOPMed 0.00030; gnomAD 0.00038; ExAC 0.00063; 1000 Genomes Project 30x 0.00234; 1000 Genomes Project 0.00240.
gnomAD v4.1: 322 of 1,608,822 alleles (0.02%); highest among the groups gnomAD compares: East Asian, 0.38%; 1 homozygote.

Submission:

CeGaT Center for Human Genetics Tuebingen
Classification: Benign. Last evaluated: 2022-11-01. Review status: criteria provided, single submitter. Criteria: CeGaT Center For Human Genetics Tuebingen Variant Classification Criteria Version 2. Collection method: clinical testing. Allele origin: germline. Affected: yes. Observed: 2 variant alleles.
Comment: TRPM2: BS1, BS2